The following is an entry in ClinVar:

NM_000393.5(COL5A2):c.3039+3G>A

Gene: COL5A2 (collagen type V alpha 2 chain; minus strand). Cytogenetic location: 2q32.2.
Variant type: single nucleotide variant.
Coding change: c.3039+3G>A on transcript NM_000393.5 (MANE Select); 3 bases into the intron after coding-DNA position 3039, G replaced by A.
Molecular consequence: intron variant.
Genome position (GRCh38, 1-based): chr2:189,050,566, C>T on the plus strand (G>A on the coding strand, the complement: COL5A2 is on the minus strand). VCF-style: chr2-189050566-C-T. GRCh37 (hg19) VCF-style: chr2-189915292-C-T.
Identifiers: ClinVar variation 3625611 (VCV003625611.2).

ClinVar aggregate classification (germline): Uncertain significance (1 of 4 stars; one submission).

Conditions:
Ehlers-Danlos syndrome, classic type, 1 (EDSCL1). Also called: EHLERS-DANLOS SYNDROME, GRAVIS TYPE; EHLERS-DANLOS SYNDROME, SEVERE CLASSIC TYPE; Ehlers-Danlos syndrome, type 1; Ehlers-Danlos Syndrome, Classic Type, COL5A1-Related; EDS I. Identifiers: MedGen C0268335, MONDO:0019567, OMIM 130000.

Submission:

Labcorp Genetics (formerly Invitae), Labcorp
Classification: Uncertain significance for Ehlers-Danlos syndrome, classic type, 1. Last evaluated: 2025-01-16. Review status: criteria provided, single submitter. Criteria: Invitae Variant Classification Sherloc (09022015). Collection method: clinical testing. Allele origin: germline.
Comment: This sequence change falls in intron 43 of the COL5A2 gene. It does not directly change the encoded amino acid sequence of the COL5A2 protein. It affects a nucleotide within the consensus splice site. This variant is not present in population databases (gnomAD no frequency). This variant has not been reported in the literature in individuals affected with COL5A2-related conditions. Variants that disrupt the consensus splice site are a relatively common cause of aberrant splicing (PMID: 17576681, 9536098). Algorithms developed to predict the effect of sequence changes on RNA splicing suggest that this variant is not likely to affect RNA splicing. In summary, the available evidence is currently insufficient to determine the role of this variant in disease. Therefore, it has been classified as a Variant of Uncertain Significance.

Literature cited by the submitters: PubMed 17576681; PubMed 9536098.